The following is an entry in ClinVar:

ClinVar aggregate classification (germline): Uncertain significance (1 of 4 stars; one submission).

Conditions:
Inborn genetic diseases. Identifiers: MedGen C0950123, MeSH D030342.

Submission:

Ambry Genetics
Classification: Uncertain significance for Inborn genetic diseases. Last evaluated: 2025-12-02. Review status: criteria provided, single submitter. Criteria: Ambry Variant Classification Scheme 2023. Collection method: clinical testing. Allele origin: germline.
Comment: The c.6254A>T (p.D2085V) alteration is located in exon 25 (coding exon 25) of the KMT2A gene. This alteration results from an A to T substitution at nucleotide position 6254, causing the aspartic acid (D) at amino acid position 2085 to be replaced by a valine (V). This variant was not reported in population-based cohorts in the Genome Aggregation Database (gnomAD). This amino acid position is well conserved in available vertebrate species. This missense alteration is located in a region that has a low rate of benign missense variation (Lek, 2016; Firth, 2009). This alteration is predicted to be deleterious by in silico analysis. Based on insufficient or conflicting evidence, the clinical significance of this alteration remains unclear.

NM_001197104.2(KMT2A):c.6254A>T (p.Asp2085Val)

Gene: KMT2A (lysine methyltransferase 2A; plus strand). Cytogenetic location: 11q23.3.
Variant type: single nucleotide variant.
Coding change: c.6254A>T on transcript NM_001197104.2 (MANE Select); coding-DNA position 6254, A replaced by T.
Protein change: p.Asp2085Val; replaces aspartic acid 2085 with valine.
Molecular consequence: missense variant.
Genome position (GRCh38, 1-based): chr11:118,501,082, A>T. VCF-style: chr11-118501082-A-T. GRCh37 (hg19) VCF-style: chr11-118371797-A-T.
Other names: c.6344A>T, p.Asp2115Val (NM_001412597.1); c.6245A>T, p.Asp2082Val (NM_005933.4); short protein forms D2085V, D2082V, D2115V.
Identifiers: ClinVar variation 4623058 (VCV004623058.1).